The following is an entry in ClinVar:

ClinVar aggregate classification (germline): Likely benign (1 of 4 stars; one submission).

Conditions:
Leigh syndrome (NULS). Also called: Leigh's necrotizing encephalopathy; Leigh's disease; Leigh's syndrome; LEIGH SYNDROME, NUCLEAR; Leigh Syndrome (mtDNA deletion); Leigh Disease. Identifiers: Orphanet 506, MedGen C2931891, MONDO:0009723, OMIM 256000.

Submission:

Wong Mito Lab, Molecular and Human Genetics, Baylor College of Medicine
Classification: Likely benign for Leigh syndrome. Last evaluated: 2019-10-17. Review status: criteria provided, single submitter. Criteria: Modified ACMG Guidelines (Unpublished). Collection method: clinical testing. Allele origin: germline.
Comment: The NC_012920.1:m.15533A>G (YP_003024038.1:p.Asn263Asp) variant in MTCYB gene is interpretated to be a Likely Benign variant based on the modified ACMG guidelines (unpublished). This variant meets the following evidence codes: BP4, BP5

NC_012920.1(MT-CYB):m.15533A>G

Gene: MT-CYB (mitochondrially encoded cytochrome b; plus strand).
Variant type: single nucleotide variant.
Genome position: chrM-15533-A-G.
Identifiers: ClinVar variation 693903 (VCV000693903.1), dbSNP rs1556424601, ClinGen allele CA913174132.